The following is an entry in ClinVar:

NM_001367624.2(ZNF469):c.9206G>A (p.Gly3069Asp)

Gene: ZNF469 (zinc finger protein 469; plus strand). Cytogenetic location: 16q24.2.
Variant type: single nucleotide variant.
Coding change: c.9206G>A on transcript NM_001367624.2 (MANE Select); coding-DNA position 9206, G replaced by A.
Protein change: p.Gly3069Asp; replaces glycine 3069 with aspartic acid.
Molecular consequence: missense variant.
Genome position (GRCh38, 1-based): chr16:88,436,676, G>A. VCF-style: chr16-88436676-G-A. GRCh37 (hg19) VCF-style: chr16-88503084-G-A.
Other names: NM_001127464.1:c.9122G>A; short protein forms G3069D.
Identifiers: ClinVar variation 1765886 (VCV001765886.2), dbSNP rs1172465020, ClinGen allele CA397121334.
Genomic context (GRCh38, chr16:88,436,676, plus strand): 5'-TCAGCACCAAGTTTGAGATGCAAGACCTGTGCTTTCTGGGACCCTTTGAAGACCCCGTGG[G>A]TCTCCCCGGCCCCAGCTTCTTAGACTTCGAGGGCACGGCGAGCTCACAGGGGCCACAGAG-3'
Protein context (NP_001354553.1, residues 3059-3079): CFLGPFEDPV[Gly3069Asp]LPGPSFLDFE

ClinVar aggregate classification (germline): Uncertain significance (1 of 4 stars; one submission).

Conditions:
Cardiovascular phenotype. Identifiers: MedGen CN230736.

Allele frequency attached by ClinVar (database versions not stated): gnomAD exomes 0.00001; gnomAD 0.00003; TOPMed 0.00003.
gnomAD v4.1: 31 of 1,550,220 alleles (0.002%); highest among the groups gnomAD compares: African/African-American, 0.025%; no homozygotes.

Submission:

Ambry Genetics
Classification: Uncertain significance for Cardiovascular phenotype. Last evaluated: 2022-01-05. Review status: criteria provided, single submitter. Criteria: Ambry Variant Classification Scheme 2023. Collection method: clinical testing. Allele origin: germline.
Comment: The p.G3041D variant (also known as c.9122G>A), located in coding exon 2 of the ZNF469 gene, results from a G to A substitution at nucleotide position 9122. The glycine at codon 3041 is replaced by aspartic acid, an amino acid with similar properties. This amino acid position is conserved. In addition, this alteration is predicted to be tolerated by in silico analysis. Since supporting evidence is limited at this time, the clinical significance of this alteration remains unclear.